The following is an entry in ClinVar:

NM_001042492.3(NF1):c.2006G>A (p.Ser669Asn)

Gene: NF1 (neurofibromin 1; plus strand). Cytogenetic location: 17q11.2.
Variant type: single nucleotide variant.
Coding change: c.2006G>A on transcript NM_001042492.3 (MANE Select); coding-DNA position 2006, G replaced by A.
Protein change: p.Ser669Asn; replaces serine 669 with asparagine.
Molecular consequence: missense variant.
Genome position (GRCh38, 1-based): chr17:31,226,439, G>A. VCF-style: chr17-31226439-G-A. GRCh37 (hg19) VCF-style: chr17-29553457-G-A.
Other names: c.2006G>A, p.Ser669Asn (NM_000267.4); short protein forms S669N.
Identifiers: ClinVar variation 839192 (VCV000839192.6), dbSNP rs1288056326, ClinGen allele CA398982000.

ClinVar aggregate classification (germline): Uncertain significance (1 of 4 stars; one submission).

Conditions:
Neurofibromatosis, type 1 (NF1). Also called: Peripheral type neurofibromatosis; Neurofibromatosis, type I; VON RECKLINGHAUSEN DISEASE; NEUROFIBROMATOSIS, TYPE I, SOMATIC. Identifiers: Orphanet 636, MedGen C0027831, MONDO:0018975, OMIM 162200. Disease mechanism: loss of function.

Allele frequency attached by ClinVar (database versions not stated): gnomAD exomes below 0.00001; TOPMed below 0.00001.
gnomAD v4.1: 2 of 1,613,176 alleles (0.00012%); highest among the groups gnomAD compares: Non-Finnish European, 0.00017%; no homozygotes.

Submission:

Labcorp Genetics (formerly Invitae), Labcorp
Classification: Uncertain significance for Neurofibromatosis, type 1. Last evaluated: 2025-08-07. Review status: criteria provided, single submitter. Criteria: Invitae Variant Classification Sherloc (09022015). Collection method: clinical testing. Allele origin: germline.
Comment: This sequence change replaces serine, which is neutral and polar, with asparagine, which is neutral and polar, at codon 669 of the NF1 protein (p.Ser669Asn). This variant is not present in population databases (gnomAD no frequency). This variant has not been reported in the literature in individuals affected with NF1-related conditions. ClinVar contains an entry for this variant (Variation ID: 839192). Invitae Evidence Modeling of protein sequence and biophysical properties (such as structural, functional, and spatial information, amino acid conservation, physicochemical variation, residue mobility, and thermodynamic stability) indicates that this missense variant is not expected to disrupt NF1 protein function with a negative predictive value of 95%. In summary, the available evidence is currently insufficient to determine the role of this variant in disease. Therefore, it has been classified as a Variant of Uncertain Significance.